The following is an entry in ClinVar:

ClinVar aggregate classification (germline): Pathogenic (1 of 4 stars; one submission).

Submission:

Labcorp Genetics (formerly Invitae), Labcorp
Classification: Pathogenic. Last evaluated: 2023-03-09. Review status: criteria provided, single submitter. Criteria: Invitae Variant Classification Sherloc (09022015). Collection method: clinical testing. Allele origin: germline.
Comment: For these reasons, this variant has been classified as Pathogenic. This variant has not been reported in the literature in individuals affected with TSPEAR-related conditions. This variant is not present in population databases (gnomAD no frequency). This sequence change creates a premature translational stop signal (p.Gly595*) in the TSPEAR gene. It is expected to result in an absent or disrupted protein product. Loss-of-function variants in TSPEAR are known to be pathogenic (PMID: 34042254).

Literature cited by the submitters: PubMed 34042254.

NM_144991.3(TSPEAR):c.1783G>T (p.Gly595Ter)

Gene: TSPEAR (thrombospondin type laminin G domain and EAR repeats; minus strand). Cytogenetic location: 21q22.3.
Variant type: single nucleotide variant.
Coding change: c.1783G>T on transcript NM_144991.3 (MANE Select); coding-DNA position 1783, G replaced by T.
Protein change: p.Gly595Ter; replaces glycine 595 with a stop codon.
Molecular consequence: nonsense.
Genome position (GRCh38, 1-based): chr21:44,504,853, C>A on the plus strand (G>T on the coding strand, the complement: TSPEAR is on the minus strand). VCF-style: chr21-44504853-C-A. GRCh37 (hg19) VCF-style: chr21-45924736-C-A.
Other names: c.1579G>T, p.Gly527Ter (NM_001272037.2); short protein forms G595*, G527*.
Identifiers: ClinVar variation 2883825 (VCV002883825.3), dbSNP rs1555911685, ClinGen allele CA410430086.